The following is an entry in ClinVar:

ClinVar aggregate classification (germline): Uncertain significance (1 of 4 stars; one submission).

gnomAD v4.1: 2 of 1,614,008 alleles (0.00012%); highest among the groups gnomAD compares: African/African-American, 0.0013%; no homozygotes.

Submission:

Labcorp Genetics (formerly Invitae), Labcorp
Classification: Uncertain significance. Last evaluated: 2024-02-15. Review status: criteria provided, single submitter. Criteria: Invitae Variant Classification Sherloc (09022015). Collection method: clinical testing. Allele origin: germline.
Comment: This sequence change replaces proline, which is neutral and non-polar, with leucine, which is neutral and non-polar, at codon 1436 of the SON protein (p.Pro1436Leu). This variant is not present in population databases (gnomAD no frequency). This variant has not been reported in the literature in individuals affected with SON-related conditions. Algorithms developed to predict the effect of missense changes on protein structure and function output the following: SIFT: "Not Available"; PolyPhen-2: "Probably Damaging"; Align-GVGD: "Not Available". The leucine amino acid residue is found in multiple mammalian species, which suggests that this missense change does not adversely affect protein function. In summary, the available evidence is currently insufficient to determine the role of this variant in disease. Therefore, it has been classified as a Variant of Uncertain Significance.

NM_138927.4(SON):c.4307C>T (p.Pro1436Leu)

Gene: SON (SON DNA and RNA binding protein; plus strand). Cytogenetic location: 21q22.11.
Variant type: single nucleotide variant.
Coding change: c.4307C>T on transcript NM_138927.4 (MANE Select); coding-DNA position 4307, C replaced by T.
Protein change: p.Pro1436Leu; replaces proline 1436 with leucine.
Molecular consequence: missense variant. On other transcripts: non-coding transcript variant (1), intron variant (1).
Genome position (GRCh38, 1-based): chr21:33,553,538, C>T. VCF-style: chr21-33553538-C-T. GRCh37 (hg19) VCF-style: chr21-34925844-C-T.
Other names: c.4307C>T, p.Pro1436Leu (NM_001291411.2, NM_032195.3); c.245-3618C>T (NM_001291412.3); short protein forms P1436L.
Identifiers: ClinVar variation 3675851 (VCV003675851.2).
Genomic context (GRCh38, chr21:33,553,538, plus strand): 5'-CTGTGCCTGTTCTGGAACCAGCGGTGTCAGTCCTTCAACCTTCTATGATTGTTTCAGAAC[C>T]ATCTGTTTCTGTCCAGGAATCGACTGTGACAGTTTCAGAGCCTGCTGTCACAGTCTCAGA-3'
Protein context (NP_620305.3, residues 1426-1446): VLQPSMIVSE[Pro1436Leu]SVSVQESTVT